The following is an entry in ClinVar:

ClinVar aggregate classification (germline): Uncertain significance (1 of 4 stars; one submission).

Allele frequency attached by ClinVar (database versions not stated): gnomAD 0.00001; gnomAD exomes 0.00001; TOPMed 0.00001.
gnomAD v4.1: 23 of 1,611,836 alleles (0.0014%); highest among the groups gnomAD compares: African/African-American, 0.0027%; no homozygotes.

Submission:

Labcorp Genetics (formerly Invitae), Labcorp
Classification: Uncertain significance. Last evaluated: 2025-12-23. Review status: criteria provided, single submitter. Criteria: Invitae Variant Classification Sherloc (09022015). Collection method: clinical testing. Allele origin: germline.
Comment: This sequence change replaces methionine, which is neutral and non-polar, with valine, which is neutral and non-polar, at codon 327 of the HYOU1 protein (p.Met327Val). This variant is present in population databases (rs371797979, gnomAD 0.003%). This variant has not been reported in the literature in individuals affected with HYOU1-related conditions. ClinVar contains an entry for this variant (Variation ID: 1446476). An algorithm developed to predict the effect of missense changes on protein structure and function outputs the following: PolyPhen-2: "Benign". The valine amino acid residue is found in multiple mammalian species, which suggests that this missense change does not adversely affect protein function. In summary, the available evidence is currently insufficient to determine the role of this variant in disease. Therefore, it has been classified as a Variant of Uncertain Significance.

NM_006389.5(HYOU1):c.979A>G (p.Met327Val)

Gene: HYOU1 (hypoxia up-regulated 1; minus strand). Cytogenetic location: 11q23.3.
Variant type: single nucleotide variant.
Coding change: c.979A>G on transcript NM_006389.5 (MANE Select); coding-DNA position 979, A replaced by G.
Protein change: p.Met327Val; replaces methionine 327 with valine.
Molecular consequence: missense variant.
Genome position (GRCh38, 1-based): chr11:119,052,645, T>C on the plus strand (A>G on the coding strand, the complement: HYOU1 is on the minus strand). VCF-style: chr11-119052645-T-C. GRCh37 (hg19) VCF-style: chr11-118923357-T-C.
Other names: c.979A>G, p.Met327Val (NM_001130991.3); short protein forms M327V.
Identifiers: ClinVar variation 1446476 (VCV001446476.6), dbSNP rs371797979, ClinGen allele CA229623534.